The following is an entry in ClinVar:

NM_000290.4(PGAM2):c.365C>T (p.Pro122Leu)

Genes: DBNL (drebrin like; plus strand), PGAM2 (phosphoglycerate mutase 2; minus strand), LOC129998342 (ATAC-STARR-seq lymphoblastoid active region 25925; plus strand). Cytogenetic location: 7p13.
Variant type: single nucleotide variant.
Coding change: c.365C>T on transcript NM_000290.4 (MANE Select); coding-DNA position 365, C replaced by T.
Protein change: p.Pro122Leu; replaces proline 122 with leucine.
Molecular consequence: missense variant. On other transcripts: 3 prime UTR variant (6).
Genome position (GRCh38, 1-based): chr7:44,065,165, G>A on the plus strand (C>T on the coding strand, the complement: PGAM2 is on the minus strand). VCF-style: chr7-44065165-G-A. GRCh37 (hg19) VCF-style: chr7-44104764-G-A.
Other names: c.*4249G>A (NM_014063.7, NM_001014436.3, NM_001122956.2 and 3 more transcripts); short protein forms P122L.
Identifiers: ClinVar variation 947508 (VCV000947508.8), dbSNP rs147273213, ClinGen allele CA4236608.

ClinVar aggregate classification (germline): Uncertain significance. Review status: criteria provided, multiple submitters, no conflicts (2 of 4 stars). 2 submissions from 2 submitters: Uncertain significance (2). Last evaluated 2026-01-26.

Conditions:
Glycogen storage disease type X (GSD10). Also called: GSD X; MYOPATHY DUE TO PHOSPHOGLYCERATE MUTASE DEFICIENCY; PGAMM DEFICIENCY; PHOSPHOGLYCERATE MUTASE, MUSCLE, DEFICIENCY OF; Dimauro disease; Glycogen storage disease due to phosphoglycerate mutase deficiency. Identifiers: Orphanet 97234, MedGen C0268149, MONDO:0009865, OMIM 261670.

Allele frequency attached by ClinVar (database versions not stated): ExAC 0.00002; gnomAD 0.00002 and 0.00003; gnomAD exomes 0.00003 and 0.00005; TOPMed 0.00003; ESP Exome Variant Server 0.00008; 1000 Genomes Project 0.00020; 1000 Genomes Project 30x 0.00031.
gnomAD v4.1: 46 of 1,613,950 alleles (0.0029%); highest among the groups gnomAD compares: Admixed American, 0.013%; no homozygotes.

Submissions (2):

Labcorp Genetics (formerly Invitae), Labcorp
Classification: Uncertain significance for Glycogen storage disease type X. Last evaluated: 2026-01-26. Review status: criteria provided, single submitter. Criteria: Invitae Variant Classification Sherloc (09022015). Collection method: clinical testing. Allele origin: germline.
Comment: This sequence change replaces proline, which is neutral and non-polar, with leucine, which is neutral and non-polar, at codon 122 of the PGAM2 protein (p.Pro122Leu). This variant is present in population databases (rs147273213, gnomAD 0.01%). This variant has not been reported in the literature in individuals affected with PGAM2-related conditions. ClinVar contains an entry for this variant (Variation ID: 947508). Invitae Evidence Modeling of protein sequence and biophysical properties (such as structural, functional, and spatial information, amino acid conservation, physicochemical variation, residue mobility, and thermodynamic stability) indicates that this missense variant is not expected to disrupt PGAM2 protein function with a negative predictive value of 80%. In summary, the available evidence is currently insufficient to determine the role of this variant in disease. Therefore, it has been classified as a Variant of Uncertain Significance.

Revvity Omics, Revvity
Classification: Uncertain significance for Glycogen storage disease type X. Last evaluated: 2022-09-09. Review status: criteria provided, single submitter. Criteria: ACMG Guidelines, 2015. Collection method: clinical testing. Allele origin: germline.